The following is an entry in ClinVar:

ClinVar aggregate classification (germline): Conflicting classifications of pathogenicity. Review status: criteria provided, conflicting classifications (1 of 4 stars). 4 submissions from 4 submitters: Uncertain significance (3); Likely benign (1). Last evaluated 2025-09-15.

Conditions:
Dilated cardiomyopathy 1JJ (CMD1JJ). Identifiers: Orphanet 154, MedGen C3808935, MONDO:0014095, OMIM 615235.
Cardiovascular phenotype. Identifiers: MedGen CN230736.

Allele frequency attached by ClinVar (database versions not stated): ExAC 0.00002; gnomAD 0.00003 and 0.00004; gnomAD exomes 0.00004 and 0.00011; TOPMed 0.00006; ESP Exome Variant Server 0.00008.
gnomAD v4.1: 171 of 1,613,274 alleles (0.011%); highest among the groups gnomAD compares: Non-Finnish European, 0.014%; no homozygotes.

Submissions (4):

Ambry Genetics
Classification: Likely benign for Cardiovascular phenotype. Last evaluated: 2025-09-15. Review status: criteria provided, single submitter. Criteria: Ambry Variant Classification Scheme 2023. Collection method: clinical testing. Allele origin: germline.

Labcorp Genetics (formerly Invitae), Labcorp
Classification: Uncertain significance for Dilated cardiomyopathy 1JJ. Last evaluated: 2024-12-12. Review status: criteria provided, single submitter. Criteria: Invitae Variant Classification Sherloc (09022015). Collection method: clinical testing. Allele origin: germline.
Comment: This sequence change replaces alanine, which is neutral and non-polar, with serine, which is neutral and polar, at codon 708 of the LAMA4 protein (p.Ala708Ser). This variant is present in population databases (rs140710429, gnomAD 0.004%). This variant has not been reported in the literature in individuals affected with LAMA4-related conditions. ClinVar contains an entry for this variant (Variation ID: 541216). Invitae Evidence Modeling of protein sequence and biophysical properties (such as structural, functional, and spatial information, amino acid conservation, physicochemical variation, residue mobility, and thermodynamic stability) indicates that this missense variant is not expected to disrupt LAMA4 protein function with a negative predictive value of 80%. In summary, the available evidence is currently insufficient to determine the role of this variant in disease. Therefore, it has been classified as a Variant of Uncertain Significance.

Fulgent Genetics
Classification: Uncertain significance for Dilated cardiomyopathy 1JJ. Last evaluated: 2021-10-20. Review status: criteria provided, single submitter. Criteria: ACMG Guidelines, 2015. Collection method: clinical testing. Allele origin: unknown.

GeneDx
Classification: Uncertain significance. Last evaluated: 2021-03-10. Review status: criteria provided, single submitter. Criteria: GeneDx Variant Classification Process June 2021. Collection method: clinical testing. Allele origin: germline. Affected: yes.
Comment: Has not been previously published as pathogenic or benign to our knowledge; Reported in ClinVar as a variant of uncertain significance (ClinVar Variant ID# 541216; Landrum et al., 2016); In silico analysis supports that this missense variant does not alter protein structure/function

NM_001105206.3(LAMA4):c.2143G>T (p.Ala715Ser)

Gene: LAMA4 (laminin subunit alpha 4; minus strand). Cytogenetic location: 6q21.
Variant type: single nucleotide variant.
Coding change: c.2143G>T on transcript NM_001105206.3 (MANE Select); coding-DNA position 2143, G replaced by T.
Protein change: p.Ala715Ser; replaces alanine 715 with serine.
Molecular consequence: missense variant.
Genome position (GRCh38, 1-based): chr6:112,150,541, C>A on the plus strand (G>T on the coding strand, the complement: LAMA4 is on the minus strand). VCF-style: chr6-112150541-C-A. GRCh37 (hg19) VCF-style: chr6-112471743-C-A.
Other names: c.2122G>T, p.Ala708Ser (NM_001105207.3, NM_002290.5); short protein forms A708S, A715S.
Identifiers: ClinVar variation 541216 (VCV000541216.15), dbSNP rs140710429, ClinGen allele CA3965579.